The following is an entry in ClinVar:

ClinVar aggregate classification (germline): Uncertain significance (1 of 4 stars; one submission).

gnomAD v4.1: 1 of 1,614,206 alleles (0.000062%); highest among the groups gnomAD compares: East Asian, 0.0022%; no homozygotes.

Submission:

GeneDx
Classification: Uncertain significance. Last evaluated: 2024-12-13. Review status: criteria provided, single submitter. Criteria: GeneDx Variant Classification Process June 2021. Collection method: clinical testing. Allele origin: germline.
Comment: Not observed at significant frequency in large population cohorts (gnomAD); In silico analysis supports that this missense variant has a deleterious effect on protein structure/function; Has not been previously published as pathogenic or benign to our knowledge

NM_001130823.3(DNMT1):c.2372A>G (p.Tyr791Cys)

Gene: DNMT1 (DNA methyltransferase 1; minus strand). Cytogenetic location: 19p13.2.
Variant type: single nucleotide variant.
Coding change: c.2372A>G on transcript NM_001130823.3 (MANE Select); coding-DNA position 2372, A replaced by G.
Protein change: p.Tyr791Cys; replaces tyrosine 791 with cysteine.
Molecular consequence: missense variant.
Genome position (GRCh38, 1-based): chr19:10,149,862, T>C on the plus strand (A>G on the coding strand, the complement: DNMT1 is on the minus strand). VCF-style: chr19-10149862-T-C. GRCh37 (hg19) VCF-style: chr19-10260538-T-C.
Other names: c.2324A>G, p.Tyr775Cys (NM_001318730.2, NM_001379.4); c.2009A>G, p.Tyr670Cys (NM_001318731.2); short protein forms Y670C, Y775C, Y791C.
Identifiers: ClinVar variation 3367706 (VCV003367706.2).
Genomic context (GRCh38, chr19:10,149,862, plus strand): 5'-TACTTGATGAGAAAGTGCATGCAGAAGTCAAGCAAAAAGAAAGATGCAAACCTTGCTAGA[T>C]ACAGCGGTTTTGAGGAATCATCTGGAATAACAGAGACACAGTCCCCCACTTCCAGGGTTT-3'
Protein context (NP_001124295.1, residues 781-801): VIPDDSSKPL[Tyr791Cys]LARVTALWED